The following is an entry in ClinVar:

ClinVar aggregate classification (germline): Conflicting classifications of pathogenicity. Review status: criteria provided, conflicting classifications (1 of 4 stars). 3 submissions from 3 submitters: Uncertain significance (2); Likely benign (1). Last evaluated 2025-07-02.

Conditions:
Hereditary cancer-predisposing syndrome. Also called: Neoplastic Syndromes, Hereditary; Hereditary Cancer Syndrome; Tumor predisposition; Hereditary neoplastic syndrome. Identifiers: Orphanet 140162, MedGen C0027672, MeSH D009386, MONDO:0015356.
Hereditary breast ovarian cancer syndrome. Also called: Hereditary breast and ovarian cancer syndrome (HBOC); Hereditary breast and ovarian cancer; Breast and ovarian cancer; BRCA1- and BRCA2-Associated Hereditary Breast and Ovarian Cancer; Hereditary breast and ovarian cancer syndrome; Hereditary breast and/or ovarian cancer syndrome. Identifiers: Orphanet 145, MedGen C0677776, MeSH D061325, MONDO:0003582. Disease mechanism: loss of function.

Submissions (3):

Labcorp Genetics (formerly Invitae), Labcorp
Classification: Uncertain significance for Hereditary breast ovarian cancer syndrome. Last evaluated: 2025-07-02. Review status: criteria provided, single submitter. Criteria: Invitae Variant Classification Sherloc (09022015). Collection method: clinical testing. Allele origin: germline.
Comment: This sequence change replaces alanine, which is neutral and non-polar, with proline, which is neutral and non-polar, at codon 1527 of the BRCA2 protein (p.Ala1527Pro). This variant is not present in population databases (gnomAD no frequency). This variant has not been reported in the literature in individuals affected with BRCA2-related conditions. ClinVar contains an entry for this variant (Variation ID: 945095). Invitae Evidence Modeling of protein sequence and biophysical properties (such as structural, functional, and spatial information, amino acid conservation, physicochemical variation, residue mobility, and thermodynamic stability) has been performed for this missense variant. However, the output from this modeling did not meet the statistical confidence thresholds required to predict the impact of this variant on BRCA2 protein function. In summary, the available evidence is currently insufficient to determine the role of this variant in disease. Therefore, it has been classified as a Variant of Uncertain Significance.

Ambry Genetics
Classification: Uncertain significance for Hereditary cancer-predisposing syndrome. Last evaluated: 2024-01-16. Review status: criteria provided, single submitter. Criteria: Ambry Variant Classification Scheme 2023. Collection method: clinical testing. Allele origin: germline.
Comment: The p.A1527P variant (also known as c.4579G>C), located in coding exon 10 of the BRCA2 gene, results from a G to C substitution at nucleotide position 4579. The alanine at codon 1527 is replaced by proline, an amino acid with highly similar properties. This alteration was not observed in 7,051 unselected female breast cancer patients and was observed in 1/11,241 female controls of Japanese ancestry (Momozawa Y et al. Nat Commun, 2018 Oct;9:4083). This amino acid position is highly conserved in available vertebrate species. In addition, this alteration is predicted to be deleterious by in silico analysis. Since supporting evidence is limited at this time, the clinical significance of this alteration remains unclear.

University of Washington Department of Laboratory Medicine, University of Washington
Classification: Likely benign for Hereditary cancer-predisposing syndrome. Last evaluated: 2023-03-23. Review status: criteria provided, single submitter. Criteria: Dines et al. (Genet Med. 2020). Collection method: curation. Allele origin: germline.
Comment: Missense variant in a coldspot region where missense variants are very unlikely to be pathogenic (PMID:31911673).

BRCA2 exon 11 coldspot. Reclassification based on statistical prior probability.

Literature cited by the submitters: PubMed 30287823 (cited by Ambry Genetics).

NM_000059.4(BRCA2):c.4579G>C (p.Ala1527Pro)

Gene: BRCA2 (BRCA2 DNA repair associated; plus strand). Cytogenetic location: 13q13.1.
Variant type: single nucleotide variant.
Coding change: c.4579G>C on transcript NM_000059.4 (MANE Select); coding-DNA position 4579, G replaced by C.
Protein change: p.Ala1527Pro; replaces alanine 1527 with proline.
Molecular consequence: missense variant.
Genome position (GRCh38, 1-based): chr13:32,338,934, G>C. VCF-style: chr13-32338934-G-C. GRCh37 (hg19) VCF-style: chr13-32913071-G-C.
Other names: short protein forms A1527P.
Identifiers: ClinVar variation 945095 (VCV000945095.12), dbSNP rs879254071, ClinGen allele CA387781894.